The following is an entry in ClinVar:

NC_000001.10:g.(?_155870179)_(155880552_?)dup

Gene: RIT1 (Ras like without CAAX 1; minus strand). Cytogenetic location: 1q22.
Variant type: Duplication.
Identifiers: ClinVar variation 2425659 (VCV002425659.3).

ClinVar aggregate classification (germline): Uncertain significance (1 of 4 stars; one submission).

Conditions:
Noonan syndrome 8 (NS8). Identifiers: Orphanet 648, MedGen C3809233, MONDO:0014143, OMIM 615355.

Submission:

Labcorp Genetics (formerly Invitae), Labcorp
Classification: Uncertain significance for Noonan syndrome 8. Last evaluated: 2022-10-18. Review status: criteria provided, single submitter. Criteria: Invitae Variant Classification Sherloc (09022015). Collection method: clinical testing. Allele origin: germline.
Comment: A copy number gain of the genomic region encompassing the full coding sequence of the RIT1 gene has been identified. The boundaries of this event are unknown as they extend beyond the assayed region for this gene and therefore may encompass additional genes. As the precise location of this event is unknown, it may be in tandem or it may be located elsewhere in the genome. This variant has not been reported in the literature in individuals affected with RIT1-related conditions. Experimental studies and prediction algorithms are not available or were not evaluated, and the functional significance of this variant is currently unknown. In summary, the available evidence is currently insufficient to determine the role of this variant in disease. Therefore, it has been classified as a Variant of Uncertain Significance.